The following is an entry in ClinVar:

ClinVar aggregate classification (germline): Likely pathogenic (1 of 4 stars; one submission).

Submission:

Labcorp Genetics (formerly Invitae), Labcorp
Classification: Likely pathogenic. Last evaluated: 2023-02-14. Review status: criteria provided, single submitter. Criteria: Invitae Variant Classification Sherloc (09022015). Collection method: clinical testing. Allele origin: germline.
Comment: This sequence change replaces alanine, which is neutral and non-polar, with serine, which is neutral and polar, at codon 387 of the SLC26A4 protein (p.Ala387Ser). This variant is not present in population databases (gnomAD no frequency). This variant has not been reported in the literature in individuals affected with SLC26A4-related conditions. Advanced modeling of protein sequence and biophysical properties (such as structural, functional, and spatial information, amino acid conservation, physicochemical variation, residue mobility, and thermodynamic stability) performed at Invitae indicates that this missense variant is expected to disrupt SLC26A4 protein function. This variant disrupts the p.Ala387 amino acid residue in SLC26A4. Other variant(s) that disrupt this residue have been determined to be pathogenic (PMID: 15933521, 22796198, 25372295). This suggests that this residue is clinically significant, and that variants that disrupt this residue are likely to be disease-causing. In summary, the currently available evidence indicates that the variant is pathogenic, but additional data are needed to prove that conclusively. Therefore, this variant has been classified as Likely Pathogenic.

Literature cited by the submitters: PubMed 15933521; PubMed 22796198; PubMed 25372295.

NM_000441.2(SLC26A4):c.1159G>T (p.Ala387Ser)

Gene: SLC26A4 (solute carrier family 26 member 4; plus strand). Cytogenetic location: 7q22.3.
Variant type: single nucleotide variant.
Coding change: c.1159G>T on transcript NM_000441.2 (MANE Select); coding-DNA position 1159, G replaced by T.
Protein change: p.Ala387Ser; replaces alanine 387 with serine.
Molecular consequence: missense variant.
Genome position (GRCh38, 1-based): chr7:107,690,133, G>T. VCF-style: chr7-107690133-G-T. GRCh37 (hg19) VCF-style: chr7-107330578-G-T.
Other names: short protein forms A387S.
Identifiers: ClinVar variation 2988283 (VCV002988283.3), dbSNP rs2535319289, ClinGen allele CA368839129.